The following is an entry in ClinVar:

ClinVar aggregate classification (germline): Uncertain significance (1 of 4 stars; one submission).

Conditions:
Intellectual developmental disorder, autosomal dominant 52. Also called: Intellectual disability, autosomal dominant 52; Mental retardation, autosomal dominant 52. Identifiers: MedGen C4540478, MONDO:0030918, OMIM 617796.

Submission:

Laboratoire Génétique Moléculaire, CHRU TOURS
Classification: Uncertain significance for Intellectual developmental disorder, autosomal dominant 52. Last evaluated: 2023-12-22. Review status: criteria provided, single submitter. Criteria: ACMG Guidelines, 2015. Collection method: clinical testing. Allele origin: maternal.
Comment: PM2

NM_018489.3(ASH1L):c.787G>A (p.Ala263Thr)

Gene: ASH1L (ASH1 like histone lysine methyltransferase; minus strand). Cytogenetic location: 1q22.
Variant type: single nucleotide variant.
Coding change: c.787G>A on transcript NM_018489.3 (MANE Select); coding-DNA position 787, G replaced by A.
Protein change: p.Ala263Thr; replaces alanine 263 with threonine.
Molecular consequence: missense variant.
Genome position (GRCh38, 1-based): chr1:155,482,083, C>T on the plus strand (G>A on the coding strand, the complement: ASH1L is on the minus strand). VCF-style: chr1-155482083-C-T. GRCh37 (hg19) VCF-style: chr1-155451874-C-T.
Other names: c.787G>A, p.Ala263Thr (NM_001366177.2); short protein forms A263T.
Identifiers: ClinVar variation 4294370 (VCV004294370.1).